The following is an entry in ClinVar:

NM_019108.4(SMG9):c.1338del (p.Gly447fs)

Gene: SMG9 (SMG9 nonsense mediated mRNA decay factor; minus strand). Cytogenetic location: 19q13.31.
Variant type: Deletion.
Coding change: c.1338del on transcript NM_019108.4 (MANE Select); coding-DNA position 1338, one base deleted (A; older notation c.1338delA).
Protein change: p.Gly447fs; shifts the reading frame from glycine 447.
Molecular consequence: frameshift variant.
Genome position (GRCh38, 1-based): chr19:43,733,325, T deleted on the plus strand (A on the coding strand, the reverse complement: SMG9 is on the minus strand). VCF-style (leftmost placement, unchanged base first): chr19-43733324-CT-C. GRCh37 (hg19) VCF-style: chr19-44237476-CT-C.
Other names: short protein forms G447fs.
Identifiers: ClinVar variation 4851879 (VCV004851879.1).

ClinVar aggregate classification (germline): Likely pathogenic (1 of 4 stars; one submission).

Submission:

Dasa
Classification: Likely pathogenic. Last evaluated: 2026-03-23. Review status: criteria provided, single submitter. Criteria: DASA Assertion Criteria. Collection method: clinical testing. Allele origin: germline.
Comment: NM_019108.4(SMG9):c.1338del (p.Gly447Aspfs*24) introduces a premature termination codon predicted to result in loss of normal protein function. Loss-of-function is an established mechanism of disease for this gene. The variant is present at low frequency in population datasets. Based on the available data, this variant is classified as likely pathogenic.